The following is an entry in ClinVar:

ClinVar aggregate classification (germline): Uncertain significance (1 of 4 stars; one submission).

Submission:

GeneDx
Classification: Uncertain significance. Last evaluated: 2023-02-24. Review status: criteria provided, single submitter. Criteria: GeneDx Variant Classification Process June 2021. Collection method: clinical testing. Allele origin: germline. Affected: yes.
Comment: Not observed at significant frequency in large population cohorts (gnomAD); In silico analysis supports that this missense variant does not alter protein structure/function; Has not been previously published as pathogenic or benign to our knowledge

NM_199355.4(ADAMTS18):c.3556C>G (p.Pro1186Ala)

Gene: ADAMTS18 (ADAM metallopeptidase with thrombospondin type 1 motif 18; minus strand). Cytogenetic location: 16q23.1.
Variant type: single nucleotide variant.
Coding change: c.3556C>G on transcript NM_199355.4 (MANE Select); coding-DNA position 3556, C replaced by G.
Protein change: p.Pro1186Ala; replaces proline 1186 with alanine.
Molecular consequence: missense variant.
Genome position (GRCh38, 1-based): chr16:77,284,066, G>C on the plus strand (C>G on the coding strand, the complement: ADAMTS18 is on the minus strand). VCF-style: chr16-77284066-G-C. GRCh37 (hg19) VCF-style: chr16-77317963-G-C.
Other names: c.3040C>G, p.Pro1014Ala (NM_001326358.2); short protein forms P1014A, P1186A.
Identifiers: ClinVar variation 2577584 (VCV002577584.1), dbSNP rs267604643, ClinGen allele CA396829830.